The following is an entry in ClinVar:

ClinVar aggregate classification (germline): Uncertain significance. Review status: criteria provided, multiple submitters, no conflicts (2 of 4 stars). 3 submissions from 3 submitters: Uncertain significance (2). 1 of the submissions does not count toward it. Last evaluated 2025-12-11.

Conditions:
Inborn genetic diseases. Identifiers: MedGen C0950123, MeSH D030342.
Usher syndrome type 2A. Also called: RETINAL DISEASE IN USHER SYNDROME TYPE IIA, MODIFIER OF; USHER SYNDROME, TYPE IIA. Identifiers: Orphanet 231178, Orphanet 886, MedGen C1848634, MONDO:0010169, OMIM 276901.

Allele frequency attached by ClinVar (database versions not stated): ExAC 0.00001; gnomAD exomes 0.00001; gnomAD 0.00003 and 0.00004; TOPMed 0.00005; ESP Exome Variant Server 0.00008.
gnomAD v4.1: 14 of 1,584,306 alleles (0.00088%); highest among the groups gnomAD compares: African/African-American, 0.019%; no homozygotes.

Submissions (3):

Ambry Genetics
Classification: Uncertain significance for Inborn genetic diseases. Last evaluated: 2025-12-11. Review status: criteria provided, single submitter. Criteria: Ambry Variant Classification Scheme 2023. Collection method: clinical testing. Allele origin: germline.

Labcorp Genetics (formerly Invitae), Labcorp
Classification: Uncertain significance. Last evaluated: 2024-10-21. Review status: criteria provided, single submitter. Criteria: Invitae Variant Classification Sherloc (09022015). Collection method: clinical testing. Allele origin: germline.
Comment: This sequence change replaces serine, which is neutral and polar, with glycine, which is neutral and non-polar, at codon 2965 of the USH2A protein (p.Ser2965Gly). This variant is present in population databases (rs373107700, gnomAD 0.01%). This variant has not been reported in the literature in individuals affected with USH2A-related conditions. ClinVar contains an entry for this variant (Variation ID: 964119). Invitae Evidence Modeling of protein sequence and biophysical properties (such as structural, functional, and spatial information, amino acid conservation, physicochemical variation, residue mobility, and thermodynamic stability) indicates that this missense variant is not expected to disrupt USH2A protein function with a negative predictive value of 95%. In summary, the available evidence is currently insufficient to determine the role of this variant in disease. Therefore, it has been classified as a Variant of Uncertain Significance.

Natera, Inc.
Classification: Uncertain significance for Usher syndrome type 2A. Last evaluated: 2020-09-14. Review status: no assertion criteria provided. Collection method: clinical testing. Allele origin: germline. Not counted in ClinVar's aggregate classification.

NM_206933.4(USH2A):c.8893A>G (p.Ser2965Gly)

Gene: USH2A (usherin; minus strand). Cytogenetic location: 1q41.
Variant type: single nucleotide variant.
Coding change: c.8893A>G on transcript NM_206933.4 (MANE Select); coding-DNA position 8893, A replaced by G.
Protein change: p.Ser2965Gly; replaces serine 2965 with glycine.
Molecular consequence: missense variant.
Genome position (GRCh38, 1-based): chr1:215,845,986, T>C on the plus strand (A>G on the coding strand, the complement: USH2A is on the minus strand). VCF-style: chr1-215845986-T-C. GRCh37 (hg19) VCF-style: chr1-216019328-T-C.
Other names: short protein forms S2965G.
Identifiers: ClinVar variation 964119 (VCV000964119.6), dbSNP rs373107700, ClinGen allele CA1394449.